The following is an entry in ClinVar:

ClinVar aggregate classification (germline): Conflicting classifications of pathogenicity. Review status: criteria provided, conflicting classifications (1 of 4 stars). 3 submissions from 3 submitters: Likely pathogenic (1); Uncertain significance (2). Last evaluated 2026-04-14.

Conditions:
Familial intrahepatic cholestasis. Identifiers: Orphanet 284385, MedGen CN296401, MONDO:0017290.
Progressive familial intrahepatic cholestasis type 2. Identifiers: Orphanet 79304, MedGen C3489789, MONDO:0011156, OMIM 601847.

gnomAD v4.1: 2 of 1,612,670 alleles (0.00012%); highest among the groups gnomAD compares: Middle Eastern, 0.017%; no homozygotes.

Submissions (3):

Genomenon, Inc
Classification: Uncertain significance for Familial intrahepatic cholestasis. Last evaluated: 2026-04-14. Review status: criteria provided, single submitter. Criteria: Genomenon Sequence Variant Interpretation Standards - Updated. Collection method: curation. Allele origin: germline. Affected: no.
Comment: ABCB11 p.Arg487Leu (c.1460G>T) is a missense variant that changes the amino acid at residue 487 from Arginine to Leucine. This variant has been reported in the published literature (PMID:22795478;19571440;38665279). The presence of pathogenic or likely pathogenic missense variant(s) at the same amino acid position indicates that this residue is likely important for protein function. It is absent or not present at a significant frequency in gnomAD. In silico models predict that this variant is possibly or probably damaging. In conclusion, we classify ABCB11 p.Arg487Leu (c.1460G>T) as a variant of uncertain significance.

Labcorp Genetics (formerly Invitae), Labcorp
Classification: Likely pathogenic. Last evaluated: 2025-07-22. Review status: criteria provided, single submitter. Criteria: Invitae Variant Classification Sherloc (09022015). Collection method: clinical testing. Allele origin: germline.
Comment: This sequence change replaces arginine, which is basic and polar, with leucine, which is neutral and non-polar, at codon 487 of the ABCB11 protein (p.Arg487Leu). This variant is not present in population databases (gnomAD no frequency). This variant has not been reported in the literature in individuals affected with ABCB11-related conditions. ClinVar contains an entry for this variant (Variation ID: 2070502). Invitae Evidence Modeling of protein sequence and biophysical properties (such as structural, functional, and spatial information, amino acid conservation, physicochemical variation, residue mobility, and thermodynamic stability) indicates that this missense variant is expected to disrupt ABCB11 protein function with a positive predictive value of 80%. Algorithms developed to predict the effect of sequence changes on RNA splicing suggest that this variant may create or strengthen a splice site. This variant disrupts the p.Arg487 amino acid residue in ABCB11. Other variant(s) that disrupt this residue have been determined to be pathogenic (PMID: 18395098, 18937870; internal data). This suggests that this residue is clinically significant, and that variants that disrupt this residue are likely to be disease-causing. In summary, the currently available evidence indicates that the variant is pathogenic, but additional data are needed to prove that conclusively. Therefore, this variant has been classified as Likely Pathogenic.

Broad Center for Mendelian Genomics, Broad Institute of MIT and Harvard
Classification: Uncertain significance for Progressive familial intrahepatic cholestasis type 2. Last evaluated: 2025-01-27. Review status: criteria provided, single submitter. Criteria: ACMG Guidelines, 2015. Collection method: curation. Allele origin: germline. Inheritance: Autosomal recessive inheritance.
Comment: The p.Arg487Leu variant in ABCB11 has not been previously in the literature in individuals with BSEP deficiency, and has been identified in 0.0001% (1/91028) of South Asian chromosomes by the Genome Aggregation Database (gnomAD; dbSNP rs1366346212). Although this variant has been seen in the general population in a heterozygous state, its frequency is low enough to be consistent with a recessive carrier frequency. This variant has also been reported in ClinVar (Variation ID: 2070502) and has been interpreted as likely pathogenic by Invitae. Computational prediction tools and conservation analyses suggest that this variant may impact the protein, though this information is not predictive enough to determine pathogenicity. Three additional likely pathogenic/pathogenic variants, resulting in a different amino acid change at the same position (p.Arg487Pro, p.Arg487His, p.Arg487Cys), have been reported in association with disease in ClinVar, supporting that a change at this position may not be tolerated (Variation ID: 1070887, 290081, 2201969). In summary, the clinical significance of the p.Arg487Leu variant is uncertain. ACMG/AMP Criteria applied: PM5, PP3, PM2_supporting (Richards 2015).

Literature cited by the submitters: PubMed 22795478 (cited by Genomenon, Inc); PubMed 19571440 (cited by Genomenon, Inc); PubMed 38665279 (cited by Genomenon, Inc); PubMed 18395098 (cited by Labcorp Genetics (formerly Invitae), Labcorp); PubMed 18937870 (cited by Labcorp Genetics (formerly Invitae), Labcorp).

NM_003742.4(ABCB11):c.1460G>T (p.Arg487Leu)

Gene: ABCB11 (ATP binding cassette subfamily B member 11; minus strand). Cytogenetic location: 2q31.1.
Variant type: single nucleotide variant.
Coding change: c.1460G>T on transcript NM_003742.4 (MANE Select); coding-DNA position 1460, G replaced by T.
Protein change: p.Arg487Leu; replaces arginine 487 with leucine.
Molecular consequence: missense variant.
Genome position (GRCh38, 1-based): chr2:168,972,025, C>A on the plus strand (G>T on the coding strand, the complement: ABCB11 is on the minus strand). VCF-style: chr2-168972025-C-A. GRCh37 (hg19) VCF-style: chr2-169828535-C-A.
Other names: NM_003742.4(ABCB11):c.1460G>T; p.Arg487Leu; short protein forms R487L.
Identifiers: ClinVar variation 2070502 (VCV002070502.6), dbSNP rs188824058, ClinGen allele CA349116094.